The following is an entry in ClinVar:

ClinVar aggregate classification (germline): Uncertain significance (1 of 4 stars; one submission).

gnomAD v4.1: 2 of 1,613,184 alleles (0.00012%); highest among the groups gnomAD compares: Non-Finnish European, 0.00017%; no homozygotes.

Submission:

Ambry Genetics
Classification: Uncertain significance. Last evaluated: 2024-11-18. Review status: criteria provided, single submitter. Criteria: Ambry Variant Classification Scheme 2023. Collection method: clinical testing. Allele origin: germline.
Comment: The p.P538R variant (also known as c.1613C>G), located in coding exon 12 of the RECQL gene, results from a C to G substitution at nucleotide position 1613. The proline at codon 538 is replaced by arginine, an amino acid with dissimilar properties. This amino acid position is conserved. In addition, this alteration is predicted to be tolerated by in silico analysis. Based on the available evidence, the clinical significance of this variant remains unclear.

NM_002907.4(RECQL):c.1613C>G (p.Pro538Arg)

Gene: RECQL (RecQ like helicase; minus strand). Cytogenetic location: 12p12.1.
Variant type: single nucleotide variant.
Coding change: c.1613C>G on transcript NM_002907.4 (MANE Select); coding-DNA position 1613, C replaced by G.
Protein change: p.Pro538Arg; replaces proline 538 with arginine.
Molecular consequence: missense variant.
Genome position (GRCh38, 1-based): chr12:21,471,482, G>C on the plus strand (C>G on the coding strand, the complement: RECQL is on the minus strand). VCF-style: chr12-21471482-G-C. GRCh37 (hg19) VCF-style: chr12-21624416-G-C.
Other names: c.1613C>G, p.Pro538Arg (NM_032941.3); short protein forms P538R.
Identifiers: ClinVar variation 3431827 (VCV003431827.1).